The following is an entry in ClinVar:

ClinVar aggregate classification (germline): Uncertain significance. Review status: criteria provided, multiple submitters, no conflicts (2 of 4 stars). 2 submissions from 2 submitters: Uncertain significance (2). Last evaluated 2023-12-04.

Conditions:
Succinate-semialdehyde dehydrogenase deficiency (SSADHD). Also called: Succinic Semialdehyde Dehydrogenase Deficiency; GABA METABOLIC DEFECT; 4-HYDROXYBUTYRIC ACIDURIA; SSADH DEFICIENCY. Identifiers: Orphanet 22, MedGen C0268631, MONDO:0010083, OMIM 271980.

Allele frequency attached by ClinVar (database versions not stated): gnomAD 0.00002; TOPMed 0.00002.
gnomAD v4.1: 19 of 1,460,440 alleles (0.0013%); highest among the groups gnomAD compares: Non-Finnish European, 0.0017%; no homozygotes.

Submissions (2):

Blueprint Genetics
Classification: Uncertain significance. Last evaluated: 2023-12-04. Review status: criteria provided, single submitter. Criteria: ACMG Guidelines, 2015. Collection method: clinical testing. Allele origin: germline.

Labcorp Genetics (formerly Invitae), Labcorp
Classification: Uncertain significance for Succinate-semialdehyde dehydrogenase deficiency. Last evaluated: 2022-07-01. Review status: criteria provided, single submitter. Criteria: Invitae Variant Classification Sherloc (09022015). Collection method: clinical testing. Allele origin: germline.
Comment: This sequence change replaces serine, which is neutral and polar, with phenylalanine, which is neutral and non-polar, at codon 55 of the ALDH5A1 protein (p.Ser55Phe). This variant is present in population databases (no rsID available, gnomAD 0.007%). This variant has not been reported in the literature in individuals affected with ALDH5A1-related conditions. ClinVar contains an entry for this variant (Variation ID: 1019870). Advanced modeling of protein sequence and biophysical properties (such as structural, functional, and spatial information, amino acid conservation, physicochemical variation, residue mobility, and thermodynamic stability) performed at Invitae indicates that this missense variant is not expected to disrupt ALDH5A1 protein function. In summary, the available evidence is currently insufficient to determine the role of this variant in disease. Therefore, it has been classified as a Variant of Uncertain Significance.

NM_001080.3(ALDH5A1):c.164C>T (p.Ser55Phe)

Genes: ALDH5A1 (aldehyde dehydrogenase 5 family member A1; plus strand), GPLD1 (glycosylphosphatidylinositol specific phospholipase D1; minus strand), LOC129995978 (ATAC-STARR-seq lymphoblastoid silent region 16989; plus strand). Cytogenetic location: 6p22.3.
Variant type: single nucleotide variant.
Coding change: c.164C>T on transcript NM_001080.3 (MANE Select); coding-DNA position 164, C replaced by T.
Protein change: p.Ser55Phe; replaces serine 55 with phenylalanine.
Molecular consequence: missense variant.
Genome position (GRCh38, 1-based): chr6:24,495,160, C>T. VCF-style: chr6-24495160-C-T. GRCh37 (hg19) VCF-style: chr6-24495388-C-T.
Other names: c.164C>T, p.Ser55Phe (NM_001368954.1, NM_170740.1); short protein forms S55F.
Identifiers: ClinVar variation 1019870 (VCV001019870.7), dbSNP rs1472036270, ClinGen allele CA362968354.